The following is an entry in ClinVar:

ClinVar aggregate classification (germline): Uncertain significance (1 of 4 stars; one submission).

Conditions:
Cardiovascular phenotype. Identifiers: MedGen CN230736.

Submission:

Ambry Genetics
Classification: Uncertain significance for Cardiovascular phenotype. Last evaluated: 2020-11-03. Review status: criteria provided, single submitter. Criteria: Ambry Variant Classification Scheme 2023. Collection method: clinical testing. Allele origin: germline.
Comment: The p.D625E variant (also known as c.1875C>G), located in coding exon 14 of the TRPM4 gene, results from a C to G substitution at nucleotide position 1875. The aspartic acid at codon 625 is replaced by glutamic acid, an amino acid with highly similar properties. This amino acid position is not well conserved in available vertebrate species. In addition, this alteration is predicted to be tolerated by in silico analysis. Since supporting evidence is limited at this time, the clinical significance of this alteration remains unclear.

NM_017636.4(TRPM4):c.1875C>G (p.Asp625Glu)

Gene: TRPM4 (transient receptor potential cation channel subfamily M member 4; plus strand). Cytogenetic location: 19q13.33.
Variant type: single nucleotide variant.
Coding change: c.1875C>G on transcript NM_017636.4 (MANE Select); coding-DNA position 1875, C replaced by G.
Protein change: p.Asp625Glu; replaces aspartic acid 625 with glutamic acid.
Molecular consequence: missense variant.
Genome position (GRCh38, 1-based): chr19:49,188,947, C>G. VCF-style: chr19-49188947-C-G. GRCh37 (hg19) VCF-style: chr19-49692204-C-G.
Other names: c.1875C>G, p.Asp625Glu (NM_001195227.2); c.1530C>G, p.Asp510Glu (NM_001321281.2); c.267C>G, p.Asp89Glu (NM_001321282.2); c.1353C>G, p.Asp451Glu (NM_001321283.2); c.813C>G, p.Asp271Glu (NM_001321285.2); short protein forms D271E, D451E, D510E, D625E, D89E.
Identifiers: ClinVar variation 1781761 (VCV001781761.2), dbSNP rs2514143533, ClinGen allele CA406803518.